The following is an entry in ClinVar:

ClinVar aggregate classification (germline): Uncertain significance (1 of 4 stars; one submission).

Conditions:
Familial focal epilepsy with variable foci (FPEVF). Identifiers: Orphanet 98820, MedGen C1858477, MONDO:0020310.

Allele frequency attached by ClinVar (database versions not stated): gnomAD 0.00001; TOPMed 0.00001; ExAC 0.00001.
gnomAD v4.1: 1 of 1,613,222 alleles (0.000062%); highest among the groups gnomAD compares: Non-Finnish European, 0.000085%; no homozygotes.

Submission:

Labcorp Genetics (formerly Invitae), Labcorp
Classification: Uncertain significance for Familial focal epilepsy with variable foci. Last evaluated: 2026-01-09. Review status: criteria provided, single submitter. Criteria: Invitae Variant Classification Sherloc (09022015). Collection method: clinical testing. Allele origin: germline.
Comment: This sequence change replaces serine, which is neutral and polar, with asparagine, which is neutral and polar, at codon 716 of the DEPDC5 protein (p.Ser716Asn). This variant is present in population databases (rs768737581, gnomAD 0.0009%). This variant has not been reported in the literature in individuals affected with DEPDC5-related conditions. ClinVar contains an entry for this variant (Variation ID: 2918543). An algorithm developed to predict the effect of missense changes on protein structure and function outputs the following: PolyPhen-2: "Not Available". The asparagine amino acid residue is found in multiple mammalian species, which suggests that this missense change does not adversely affect protein function. In summary, the available evidence is currently insufficient to determine the role of this variant in disease. Therefore, it has been classified as a Variant of Uncertain Significance.

NM_001242896.3(DEPDC5):c.2147G>A (p.Ser716Asn)

Gene: DEPDC5 (DEP domain containing 5, GATOR1 subcomplex subunit; plus strand). Cytogenetic location: 22q12.3.
Variant type: single nucleotide variant.
Coding change: c.2147G>A on transcript NM_001242896.3 (MANE Select); coding-DNA position 2147, G replaced by A.
Protein change: p.Ser716Asn; replaces serine 716 with asparagine.
Molecular consequence: missense variant. On other transcripts: non-coding transcript variant (5).
Genome position (GRCh38, 1-based): chr22:31,833,957, G>A. VCF-style: chr22-31833957-G-A. GRCh37 (hg19) VCF-style: chr22-32229943-G-A.
Other names: c.2147G>A, p.Ser716Asn (NM_001136029.4, NM_001363852.2, NM_001364318.2 and 3 more transcripts); c.1913G>A, p.Ser638Asn (NM_001242897.2, NM_001363854.2, NM_001364319.2); c.2063G>A, p.Ser688Asn (NM_001369901.1, NM_001369902.1); short protein forms S638N, S688N, S716N.
Identifiers: ClinVar variation 2918543 (VCV002918543.3), dbSNP rs768737581, ClinGen allele CA10196602.